The following is an entry in ClinVar:

ClinVar aggregate classification (germline): Conflicting classifications of pathogenicity. Review status: criteria provided, conflicting classifications (1 of 4 stars). 2 submissions from 2 submitters: Uncertain significance (1); Likely benign (1). Last evaluated 2021-12-23.

Conditions:
Hypertrophic cardiomyopathy. Also called: HYPERTROPHIC MYOCARDIOPATHY. Identifiers: Orphanet 217569, MedGen C0007194, MeSH D002312, MONDO:0005045, HP:0001639.

Allele frequency attached by ClinVar (database versions not stated): TOPMed below 0.00001; ExAC 0.00001; gnomAD 0.00001; gnomAD exomes 0.00001.
gnomAD v4.1: 14 of 1,612,112 alleles (0.00087%); highest among the groups gnomAD compares: Admixed American, 0.0017%; no homozygotes.

Submissions (2):

Ambry Genetics
Classification: Likely benign. Last evaluated: 2021-12-23. Review status: criteria provided, single submitter. Criteria: Ambry Variant Classification Scheme 2023. Collection method: clinical testing. Allele origin: germline.

Labcorp Genetics (formerly Invitae), Labcorp
Classification: Uncertain significance for Hypertrophic cardiomyopathy. Last evaluated: 2019-10-08. Review status: criteria provided, single submitter. Criteria: Invitae Variant Classification Sherloc (09022015). Collection method: clinical testing. Allele origin: germline.
Comment: This sequence change replaces valine with isoleucine at codon 1063 of the MYOM1 protein (p.Val1063Ile). The valine residue is moderately conserved and there is a small physicochemical difference between valine and isoleucine. This variant is present in population databases (rs777270890, ExAC 0.002%). This variant has not been reported in the literature in individuals with MYOM1-related conditions. Algorithms developed to predict the effect of missense changes on protein structure and function output the following: SIFT: "Tolerated"; PolyPhen-2: "Benign"; Align-GVGD: "Class C0". The isoleucine amino acid residue is found in multiple mammalian species, suggesting that this missense change does not adversely affect protein function. These predictions have not been confirmed by published functional studies and their clinical significance is uncertain. In summary, the available evidence is currently insufficient to determine the role of this variant in disease. Therefore, it has been classified as a Variant of Uncertain Significance.

NM_003803.4(MYOM1):c.3187G>A (p.Val1063Ile)

Gene: MYOM1 (myomesin 1; minus strand). Cytogenetic location: 18p11.31.
Variant type: single nucleotide variant.
Coding change: c.3187G>A on transcript NM_003803.4 (MANE Select); coding-DNA position 3187, G replaced by A.
Protein change: p.Val1063Ile; replaces valine 1063 with isoleucine.
Molecular consequence: missense variant.
Genome position (GRCh38, 1-based): chr18:3,116,447, C>T on the plus strand (G>A on the coding strand, the complement: MYOM1 is on the minus strand). VCF-style: chr18-3116447-C-T. GRCh37 (hg19) VCF-style: chr18-3116445-C-T.
Other names: c.2899G>A, p.Val967Ile (NM_019856.2); short protein forms V1063I, V967I.
Identifiers: ClinVar variation 933920 (VCV000933920.11), dbSNP rs777270890, ClinGen allele CA8874387.
Genomic context (GRCh38, chr18:3,116,447, plus strand): 5'-TGGCCTTGGCCTCCTTCAAGTCCACGAAGTAACCAGTGACCGGAGTCCGCCCGGAGTGGA[C>T]TGGCGGCTTCCACTGGAGAACCAGTGAGTCTTTCCTGACTTCACTACACTTGAGACTGTG-3'
Protein context (NP_003794.3, residues 1053-1073): DSLVLQWKPP[Val1063Ile]HSGRTPVTGY